The following is an entry in ClinVar:

ClinVar aggregate classification (germline): Uncertain significance (1 of 4 stars; one submission).

Submission:

Labcorp Genetics (formerly Invitae), Labcorp
Classification: Uncertain significance. Last evaluated: 2025-01-27. Review status: criteria provided, single submitter. Criteria: Invitae Variant Classification Sherloc (09022015). Collection method: clinical testing. Allele origin: germline.
Comment: This sequence change replaces alanine, which is neutral and non-polar, with valine, which is neutral and non-polar, at codon 2790 of the DCHS1 protein (p.Ala2790Val). This variant is not present in population databases (gnomAD no frequency). This variant has not been reported in the literature in individuals affected with DCHS1-related conditions. Invitae Evidence Modeling of protein sequence and biophysical properties (such as structural, functional, and spatial information, amino acid conservation, physicochemical variation, residue mobility, and thermodynamic stability) indicates that this missense variant is not expected to disrupt DCHS1 protein function with a negative predictive value of 80%. In summary, the available evidence is currently insufficient to determine the role of this variant in disease. Therefore, it has been classified as a Variant of Uncertain Significance.

NM_003737.4(DCHS1):c.8369C>T (p.Ala2790Val)

Gene: DCHS1 (dachsous cadherin-related 1; minus strand). Cytogenetic location: 11p15.4.
Variant type: single nucleotide variant.
Coding change: c.8369C>T on transcript NM_003737.4 (MANE Select); coding-DNA position 8369, C replaced by T.
Protein change: p.Ala2790Val; replaces alanine 2790 with valine.
Molecular consequence: missense variant.
Genome position (GRCh38, 1-based): chr11:6,623,307, G>A on the plus strand (C>T on the coding strand, the complement: DCHS1 is on the minus strand). VCF-style: chr11-6623307-G-A. GRCh37 (hg19) VCF-style: chr11-6644538-G-A.
Other names: short protein forms A2790V.
Identifiers: ClinVar variation 3706765 (VCV003706765.2).